The following is an entry in ClinVar:

ClinVar aggregate classification (germline): Uncertain significance (1 of 4 stars; one submission).

Conditions:
Aortic aneurysm, familial thoracic 7 (AAT7). Also called: AORTIC DISSECTION, FAMILIAL, WITH OR WITHOUT AORTIC ANEURYSM. Identifiers: MedGen C3151077, MONDO:0013418, OMIM 613780.

gnomAD v4.1: 3 of 1,613,974 alleles (0.00019%); highest among the groups gnomAD compares: Admixed American, 0.005%; no homozygotes.

Submission:

Labcorp Genetics (formerly Invitae), Labcorp
Classification: Uncertain significance for Aortic aneurysm, familial thoracic 7. Last evaluated: 2025-08-29. Review status: criteria provided, single submitter. Criteria: Invitae Variant Classification Sherloc (09022015). Collection method: clinical testing. Allele origin: germline.
Comment: This sequence change replaces phenylalanine, which is neutral and non-polar, with serine, which is neutral and polar, at codon 671 of the MYLK protein (p.Phe671Ser). This variant is present in population databases (no rsID available, gnomAD 0.003%). This variant has not been reported in the literature in individuals affected with MYLK-related conditions. Invitae Evidence Modeling of protein sequence and biophysical properties (such as structural, functional, and spatial information, amino acid conservation, physicochemical variation, residue mobility, and thermodynamic stability) indicates that this missense variant is not expected to disrupt MYLK protein function with a negative predictive value of 80%. In summary, the available evidence is currently insufficient to determine the role of this variant in disease. Therefore, it has been classified as a Variant of Uncertain Significance.

NM_053025.4(MYLK):c.2012T>C (p.Phe671Ser)

Gene: MYLK (myosin light chain kinase; minus strand). Cytogenetic location: 3q21.1.
Variant type: single nucleotide variant.
Coding change: c.2012T>C on transcript NM_053025.4 (MANE Select); coding-DNA position 2012, T replaced by C.
Protein change: p.Phe671Ser; replaces phenylalanine 671 with serine.
Molecular consequence: missense variant.
Genome position (GRCh38, 1-based): chr3:123,708,826, A>G on the plus strand (T>C on the coding strand, the complement: MYLK is on the minus strand). VCF-style: chr3-123708826-A-G. GRCh37 (hg19) VCF-style: chr3-123427673-A-G.
Other names: c.1484T>C, p.Phe495Ser (NM_001321309.2); c.1805T>C, p.Phe602Ser (NM_053026.4, NM_053028.4); c.2012T>C, p.Phe671Ser (NM_053027.4); short protein forms F602S, F671S, F495S.
Identifiers: ClinVar variation 4732806 (VCV004732806.1).
Genomic context (GRCh38, chr3:123,708,826, plus strand): 5'-CCCGTGTCCTCCGGGAACACTTCCTGGATACAAAGGCTGTGCTGAGTTCCTCTCTGTTCA[A>G]AGTGGAAGTCCTCTGACTCTTGGATCTCATTCCCATTGTGCAGCCAGATGACTTCAGGGG-3'
Protein context (NP_444253.3, residues 661-681): NEIQESEDFH[Phe671Ser]EQRGTQHSLC